The following is an entry in ClinVar:

ClinVar aggregate classification (germline): Uncertain significance (1 of 4 stars; one submission).

Submission:

GeneDx
Classification: Uncertain significance. Last evaluated: 2024-10-16. Review status: criteria provided, single submitter. Criteria: GeneDx Variant Classification Process June 2021. Collection method: clinical testing. Allele origin: germline. Affected: yes.
Comment: Not observed at significant frequency in large population cohorts (gnomAD); In-frame deletion of 1 amino acid(s) in a non-repeat region; In silico analysis supports a deleterious effect on protein structure/function; Has not been previously published as pathogenic or benign to our knowledge; In silico analysis is inconclusive as to whether the variant alters gene splicing. In the absence of RNA/functional studies, the actual effect of this sequence change is unknown

NM_014905.5(GLS):c.562ACA[1] (p.Thr189del)

Gene: GLS (glutaminase; plus strand). Cytogenetic location: 2q32.2.
Variant type: Microsatellite.
Coding change: c.562ACA[1] on transcript NM_014905.5 (MANE Select); one copy of the 3-base unit ACA starting at c.562; the reference has two copies in a row; one copy, 3 bases deleted.
Protein change: p.Thr189del; deletes threonine 189.
Molecular consequence: inframe deletion.
Genome position (GRCh38, 1-based): chr2:190,895,685-190,895,687, ACA deleted; deleting any 3 consecutive bases within chr2:190,895,681-190,895,687 gives the same sequence; the position shown is the placement nearest the transcript's 3' end. VCF-style (leftmost placement, unchanged base first): chr2-190895680-AAAC-A. GRCh37 (hg19) VCF-style: chr2-191760406-AAAC-A.
Other names: c.562ACA[1], p.Thr189del (NM_001256310.2); short protein forms T189del.
Identifiers: ClinVar variation 3781090 (VCV003781090.1).